The following is an entry in ClinVar:

NM_001110556.2(FLNA):c.7903G>A (p.Glu2635Lys)

Genes: FLNA (filamin A; minus strand), LOC107988032 (Xq28 proximal FLNA-EMD recombination region; plus strand). Cytogenetic location: Xq28.
Variant type: single nucleotide variant.
Coding change: c.7903G>A on transcript NM_001110556.2 (MANE Select); coding-DNA position 7903, G replaced by A.
Protein change: p.Glu2635Lys; replaces glutamic acid 2635 with lysine.
Molecular consequence: missense variant.
Genome position (GRCh38, 1-based): chrX:154,348,890, C>T on the plus strand (G>A on the coding strand, the complement: FLNA is on the minus strand). VCF-style: chrX-154348890-C-T. GRCh37 (hg19) VCF-style: chrX-153577258-C-T.
Other names: p.Glu2627Lys; c.7879G>A, p.Glu2627Lys (NM_001456.4); short protein forms E2635K, E2627K.
Identifiers: ClinVar variation 208878 (VCV000208878.57), dbSNP rs369717556, ClinGen allele CA210133.

ClinVar aggregate classification (germline): Conflicting classifications of pathogenicity. Review status: criteria provided, conflicting classifications (1 of 4 stars). 11 submissions from 11 submitters: Uncertain significance (3); Likely benign (5). 3 of the submissions do not count toward it. Last evaluated 2026-08-04.

Conditions:
Melnick-Needles syndrome (MNS). Also called: MELNICK-NEEDLES OSTEODYSPLASTY; Melnick-Needles Syndrome (FLNA-MNS); OSTEODYSPLASTY OF MELNICK AND NEEDLES. Identifiers: Orphanet 2484, MedGen C0025237, MONDO:0010650, OMIM 309350.
Heterotopia, periventricular, X-linked dominant (PVNH1). Also called: PERIVENTRICULAR NODULAR HETEROTOPIA 4; HETEROTOPIA, PERIVENTRICULAR, 1; X-linked periventricular heterotopia; PERIVENTRICULAR NODULAR HETEROTOPIA 1. Identifiers: Orphanet 2149, Orphanet 82004, MedGen C1848213, MONDO:0010233, OMIM 300049.
Oto-palato-digital syndrome, type II (OPD2). Also called: FACIOPALATOOSSEOUS SYNDROME; Otopalatodigital Syndrome, Type II; Otopalatodigital Syndrome Type 2 (FLNA-OPD2); OPD II SYNDROME. Identifiers: Orphanet 669, Orphanet 90652, MedGen C1844696, MONDO:0010571, OMIM 304120.
Frontometaphyseal dysplasia (FMD1). Identifiers: Orphanet 1826, MedGen C0265293, MONDO:0015942.
Familial thoracic aortic aneurysm and aortic dissection (TAAD). Also called: Thoracic aortic aneurysms and dissections. Identifiers: Orphanet 91387, MedGen C4707243, MONDO:0019625.
FLNA-related disorder.
Abnormality of neuronal migration. Identifiers: MedGen C1837249, HP:0002269.

Allele frequency attached by ClinVar (database versions not stated): gnomAD exomes 0.00003 and 0.00007; TOPMed 0.00006; gnomAD 0.00009 and 0.00010; ESP Exome Variant Server 0.00010.

Submissions (11):

GeneDx
Classification: Uncertain significance. Last evaluated: 2026-08-04. Review status: criteria provided, single submitter. Criteria: GeneDx Variant Classification Process June 2021. Collection method: clinical testing. Allele origin: germline.
Comment: In silico analysis supports that this missense variant has a deleterious effect on protein structure/function; Has not been previously published as pathogenic or benign to our knowledge

PreventionGenetics, part of Exact Sciences
Classification: Likely benign for FLNA-related condition. Last evaluated: 2025-10-14. Review status: criteria provided, single submitter. Criteria: ACMG Guidelines, 2015. Collection method: clinical testing. Allele origin: germline.
Comment: This variant is classified as likely benign based on ACMG/AMP sequence variant interpretation guidelines (Richards et al. 2015 PMID: 25741868, with internal and published modifications).

CeGaT Center for Human Genetics Tuebingen
Classification: Likely benign. Last evaluated: 2025-06-01. Review status: criteria provided, single submitter. Criteria: CeGaT Center For Human Genetics Tuebingen Variant Classification Criteria Version 2. Collection method: clinical testing. Allele origin: germline. Affected: yes. Observed: 5 variant alleles.
Comment: FLNA: BS2

Labcorp Genetics (formerly Invitae), Labcorp
Classification: Likely benign for Oto-palato-digital syndrome, type II; Heterotopia, periventricular, X-linked dominant; Frontometaphyseal dysplasia; Melnick-Needles syndrome. Last evaluated: 2025-03-18. Review status: criteria provided, single submitter. Criteria: Invitae Variant Classification Sherloc (09022015). Collection method: clinical testing. Allele origin: germline.

Ambry Genetics
Classification: Uncertain significance for Familial thoracic aortic aneurysm and aortic dissection. Last evaluated: 2024-12-03. Review status: criteria provided, single submitter. Criteria: Ambry Variant Classification Scheme 2023. Collection method: clinical testing. Allele origin: germline.
Comment: The p.E2627K variant (also known as c.7879G>A), located in coding exon 46 of the FLNA gene, results from a G to A substitution at nucleotide position 7879. The glutamic acid at codon 2627 is replaced by lysine, an amino acid with similar properties. Based on data from gnomAD, the A allele has an overall frequency of <0.01% (6/201440) total alleles studied, with 3 hemizygote(s) observed. The highest observed frequency was 0.02% (3/18102) of African alleles. This amino acid position is well conserved in available vertebrate species. In addition, the in silico prediction for this alteration is inconclusive. Based on the available evidence, the clinical significance of this variant remains unclear.

Blueprint Genetics
Classification: Likely benign. Last evaluated: 2024-04-23. Review status: criteria provided, single submitter. Criteria: ACMG Guidelines, 2015. Collection method: clinical testing. Allele origin: germline.

Women's Health and Genetics/Laboratory Corporation of America, LabCorp
Classification: Likely benign. Last evaluated: 2024-01-02. Review status: criteria provided, single submitter. Criteria: LabCorp Variant Classification Summary - May 2015. Collection method: clinical testing. Allele origin: germline.
Comment: Variant summary: FLNA c.7903G>A (p.Glu2635Lys) results in a conservative amino acid change in the encoded protein sequence. Four of five in-silico tools predict a benign effect of the variant on protein function. The variant allele was found at a frequency of 6.9e-05 in 1208917 control chromosomes, predominantly at a frequency of 8.1e-05 within the Non-Finnish European subpopulation in the gnomAD database including 22 hemizygotes. The observed variant frequency within Non-Finnish European control individuals in the gnomAD database is approximately 260 fold of the estimated maximal expected allele frequency for a pathogenic variant in FLNA causing Periventricular Nodular Heterotopia phenotype (3.1e-07), strongly suggesting that the variant is a benign polymorphism found primarily in populations of Non-Finnish European origin. To our knowledge, no occurrence of c.7903G>A in individuals affected with Periventricular Nodular Heterotopia and no experimental evidence demonstrating its impact on protein function have been reported. Three submitters have cited clinical-significance assessments for this variant to ClinVar after 2014 and classified as likely benign (n=2) and VUS (n=1)Based on the evidence outlined above, the variant was classified as likely benign.

Mayo Clinic Laboratories, Mayo Clinic
Classification: Uncertain significance. Last evaluated: 2022-03-01. Review status: criteria provided, single submitter. Criteria: ACMG Guidelines, 2015. Collection method: clinical testing. Allele origin: germline. Observed: 1 variant allele.
Comment: PP2

Génétique et pathophysiologie de maladies neurodéveloppementales et épileptogènes, Institut de génétique et de biologie moléculaire et cellulaire
Classification: Benign for Malformation of Cortical Development. Last evaluated: 2014-10-31. Review status: no assertion criteria provided. Collection method: clinical testing. Allele origin: maternal. Affected: yes. Observed: 3 variant alleles, 2 heterozygotes, 1 hemizygote. Not counted in ClinVar's aggregate classification.

Clinical Genetics DNA and cytogenetics Diagnostics Lab, Erasmus MC, Erasmus Medical Center
Classification: Uncertain significance. Review status: no assertion criteria provided. Collection method: clinical testing. Allele origin: germline. Affected: yes. Study: VKGL Data-share Consensus. Not counted in ClinVar's aggregate classification.

Genome Diagnostics Laboratory, Amsterdam University Medical Center
Classification: Uncertain significance. Review status: no assertion criteria provided. Collection method: clinical testing. Allele origin: germline. Affected: yes. Study: VKGL Data-share Consensus. Not counted in ClinVar's aggregate classification.